The following is an entry in ClinVar:

NM_005901.6(SMAD2):c.776A>G (p.His259Arg)

Gene: SMAD2 (SMAD family member 2; minus strand). Cytogenetic location: 18q21.1.
Variant type: single nucleotide variant.
Coding change: c.776A>G on transcript NM_005901.6 (MANE Select); coding-DNA position 776, A replaced by G.
Protein change: p.His259Arg; replaces histidine 259 with arginine.
Molecular consequence: missense variant.
Genome position (GRCh38, 1-based): chr18:47,851,282, T>C on the plus strand (A>G on the coding strand, the complement: SMAD2 is on the minus strand). VCF-style: chr18-47851282-T-C. GRCh37 (hg19) VCF-style: chr18-45377653-T-C.
Other names: c.776A>G, p.His259Arg (NM_001003652.4); c.686A>G, p.His229Arg (NM_001135937.3); short protein forms H259R, H229R.
Identifiers: ClinVar variation 1760529 (VCV001760529.2), dbSNP rs2144318835, ClinGen allele CA402504743.

ClinVar aggregate classification (germline): Uncertain significance (1 of 4 stars; one submission).

Conditions:
Inborn genetic diseases. Identifiers: MedGen C0950123, MeSH D030342.

Submission:

Ambry Genetics
Classification: Uncertain significance for Inborn genetic diseases. Last evaluated: 2022-05-27. Review status: criteria provided, single submitter. Criteria: Ambry Variant Classification Scheme 2023. Collection method: clinical testing. Allele origin: germline.
Comment: The p.H259R variant (also known as c.776A>G), located in coding exon 6 of the SMAD2 gene, results from an A to G substitution at nucleotide position 776. The histidine at codon 259 is replaced by arginine, an amino acid with highly similar properties. This amino acid position is conserved. In addition, the in silico prediction for this alteration is inconclusive. Since supporting evidence is limited at this time, the clinical significance of this alteration remains unclear.